The following is an entry in ClinVar:

NM_003126.4(SPTA1):c.5171A>G (p.Asp1724Gly)

Gene: SPTA1 (spectrin alpha, erythrocytic 1; minus strand). Cytogenetic location: 1q23.1.
Variant type: single nucleotide variant.
Coding change: c.5171A>G on transcript NM_003126.4 (MANE Select); coding-DNA position 5171, A replaced by G.
Protein change: p.Asp1724Gly; replaces aspartic acid 1724 with glycine.
Molecular consequence: missense variant.
Genome position (GRCh38, 1-based): chr1:158,638,051, T>C on the plus strand (A>G on the coding strand, the complement: SPTA1 is on the minus strand). VCF-style: chr1-158638051-T-C. GRCh37 (hg19) VCF-style: chr1-158607841-T-C.
Other names: short protein forms D1724G.
Identifiers: ClinVar variation 2768131 (VCV002768131.3), dbSNP rs2526393748, ClinGen allele CA343027720.

ClinVar aggregate classification (germline): Uncertain significance (1 of 4 stars; one submission).

gnomAD v4.1: 2 of 1,613,824 alleles (0.00012%); highest among the groups gnomAD compares: Non-Finnish European, 0.00017%; no homozygotes.

Submission:

Labcorp Genetics (formerly Invitae), Labcorp
Classification: Uncertain significance. Last evaluated: 2023-10-23. Review status: criteria provided, single submitter. Criteria: Invitae Variant Classification Sherloc (09022015). Collection method: clinical testing. Allele origin: germline.
Comment: This sequence change replaces aspartic acid, which is acidic and polar, with glycine, which is neutral and non-polar, at codon 1724 of the SPTA1 protein (p.Asp1724Gly). This variant is not present in population databases (gnomAD no frequency). This variant has not been reported in the literature in individuals affected with SPTA1-related conditions. Advanced modeling of protein sequence and biophysical properties (such as structural, functional, and spatial information, amino acid conservation, physicochemical variation, residue mobility, and thermodynamic stability) has been performed at Invitae for this missense variant, however the output from this modeling did not meet the statistical confidence thresholds required to predict the impact of this variant on SPTA1 protein function. Algorithms developed to predict the effect of sequence changes on RNA splicing suggest that this variant may disrupt the consensus splice site. In summary, the available evidence is currently insufficient to determine the role of this variant in disease. Therefore, it has been classified as a Variant of Uncertain Significance.